The following is an entry in ClinVar:

ClinVar aggregate classification (germline): Uncertain significance. Review status: criteria provided, multiple submitters, no conflicts (2 of 4 stars). 4 submissions from 4 submitters: Uncertain significance (3). 1 of the submissions does not count toward it. Last evaluated 2024-03-09.

Conditions:
Hereditary cancer-predisposing syndrome. Also called: Tumor predisposition; Hereditary neoplastic syndrome; Hereditary Cancer Syndrome; Neoplastic Syndromes, Hereditary. Identifiers: Orphanet 140162, MedGen C0027672, MeSH D009386, MONDO:0015356.
Fanconi anemia (FA). Also called: Fanconi's anemia. Identifiers: Orphanet 84, MedGen C0015625, MeSH D005199, MONDO:0019391.

Allele frequency attached by ClinVar (database versions not stated): gnomAD exomes below 0.00001; ExAC 0.00001; gnomAD 0.00001; TOPMed 0.00001.
gnomAD v4.1: 6 of 1,613,860 alleles (0.00037%); highest among the groups gnomAD compares: Middle Eastern, 0.016%; no homozygotes.

Submissions (4):

Ambry Genetics
Classification: Uncertain significance for Hereditary cancer-predisposing syndrome. Last evaluated: 2024-03-09. Review status: criteria provided, single submitter. Criteria: Ambry Variant Classification Scheme 2023. Collection method: clinical testing. Allele origin: germline.
Comment: The p.A176P variant (also known as c.526G>C), located in coding exon 6 of the FANCC gene, results from a G to C substitution at nucleotide position 526. The alanine at codon 176 is replaced by proline, an amino acid with highly similar properties. This amino acid position is not well conserved in available vertebrate species. In addition, this alteration is predicted to be tolerated by in silico analysis. Since supporting evidence is limited at this time, the clinical significance of this alteration remains unclear.

GeneDx
Classification: Uncertain significance. Last evaluated: 2023-08-12. Review status: criteria provided, single submitter. Criteria: GeneDx Variant Classification Process June 2021. Collection method: clinical testing. Allele origin: germline. Affected: yes.
Comment: Not observed at significant frequency in large population cohorts (gnomAD); In silico analysis supports that this missense variant does not alter protein structure/function; Has not been previously published as pathogenic or benign to our knowledge; This variant is associated with the following publications: (PMID: Gordon2000[Book])

Labcorp Genetics (formerly Invitae), Labcorp
Classification: Uncertain significance for Fanconi anemia. Last evaluated: 2022-05-11. Review status: criteria provided, single submitter. Criteria: Invitae Variant Classification Sherloc (09022015). Collection method: clinical testing. Allele origin: germline.
Comment: This sequence change replaces alanine, which is neutral and non-polar, with proline, which is neutral and non-polar, at codon 176 of the FANCC protein (p.Ala176Pro). This variant is present in population databases (rs767389988, gnomAD 0.004%). This variant has not been reported in the literature in individuals affected with FANCC-related conditions. ClinVar contains an entry for this variant (Variation ID: 963302). Algorithms developed to predict the effect of missense changes on protein structure and function output the following: SIFT: "Tolerated"; PolyPhen-2: "Possibly Damaging"; Align-GVGD: "Class C0". The proline amino acid residue is found in multiple mammalian species, which suggests that this missense change does not adversely affect protein function. In summary, the available evidence is currently insufficient to determine the role of this variant in disease. Therefore, it has been classified as a Variant of Uncertain Significance.

Genetic Services Laboratory, University of Chicago
Classification: Uncertain significance. Last evaluated: 2022-07-11. Review status: no assertion criteria provided. Collection method: clinical testing. Allele origin: germline. Affected: no. Not counted in ClinVar's aggregate classification.
Comment: DNA sequence analysis of the FANCC gene demonstrated a sequence change, c.526G>C, in exon 7 that results in an amino acid change, p.Ala176Pro. This sequence change does not appear to have been previously described in individuals with FANCC-related disorders. This sequence change has been described in the gnomAD database with a global frequency of 0.0007% (dbSNP rs767389988). The p.Ala176Pro change affects a poorly conserved amino acid residue located in a domain of the FANCC protein that is known to be functional. The p.Ala176Pro substitution appears to be benign using several in-silico pathogenicity prediction tools (SIFT, PolyPhen2, Align GVGD, REVEL). Due to insufficient evidences and the lack of functional studies, the clinical significance of the p.Ala176Pro change remains unknown at this time.

NM_000136.3(FANCC):c.526G>C (p.Ala176Pro)

Genes: FANCC (FA complementation group C; minus strand), AOPEP (aminopeptidase O (putative); plus strand). Cytogenetic location: 9q22.32.
Variant type: single nucleotide variant.
Coding change: c.526G>C on transcript NM_000136.3 (MANE Select); coding-DNA position 526, G replaced by C.
Protein change: p.Ala176Pro; replaces alanine 176 with proline.
Molecular consequence: missense variant.
Genome position (GRCh38, 1-based): chr9:95,150,083, C>G on the plus strand (G>C on the coding strand, the complement: FANCC is on the minus strand). VCF-style: chr9-95150083-C-G. GRCh37 (hg19) VCF-style: chr9-97912365-C-G.
Other names: c.526G>C, p.Ala176Pro (NM_001243743.2, NM_001243744.2); short protein forms A176P.
Identifiers: ClinVar variation 963302 (VCV000963302.8), dbSNP rs767389988, ClinGen allele CA5137702.